The following is an entry in ClinVar:

NM_000090.4(COL3A1):c.457C>G (p.Pro153Ala)

Gene: COL3A1 (collagen type III alpha 1 chain; plus strand). Cytogenetic location: 2q32.2.
Variant type: single nucleotide variant.
Coding change: c.457C>G on transcript NM_000090.4 (MANE Select); coding-DNA position 457, C replaced by G.
Protein change: p.Pro153Ala; replaces proline 153 with alanine.
Molecular consequence: missense variant.
Genome position (GRCh38, 1-based): chr2:188,987,068, C>G. VCF-style: chr2-188987068-C-G. GRCh37 (hg19) VCF-style: chr2-189851794-C-G.
Other names: short protein forms P153A.
Identifiers: ClinVar variation 4808427 (VCV004808427.1).

ClinVar aggregate classification (germline): Uncertain significance (1 of 4 stars; one submission).

Conditions:
Ehlers-Danlos syndrome, type 4 (EDSVASC). Also called: Ehlers-Danlos syndrome vascular type; Ehlers Danlos syndrome, ecchymotic type; Ehlers Danlos syndrome, arterial type; Ehlers Danlos syndrome, Sack-Barabas type; Ehlers-Danlos Syndrome Type IV. Identifiers: Orphanet 286, MedGen C0268338, MONDO:0017314, OMIM 130050.

Submission:

Labcorp Genetics (formerly Invitae), Labcorp
Classification: Uncertain significance for Ehlers-Danlos syndrome, type 4. Last evaluated: 2025-06-15. Review status: criteria provided, single submitter. Criteria: Invitae Variant Classification Sherloc (09022015). Collection method: clinical testing. Allele origin: germline.
Comment: This sequence change replaces proline, which is neutral and non-polar, with alanine, which is neutral and non-polar, at codon 153 of the COL3A1 protein (p.Pro153Ala). This variant is not present in population databases (gnomAD no frequency). This variant has not been reported in the literature in individuals affected with COL3A1-related conditions. Invitae Evidence Modeling of protein sequence and biophysical properties (such as structural, functional, and spatial information, amino acid conservation, physicochemical variation, residue mobility, and thermodynamic stability) indicates that this missense variant is not expected to disrupt COL3A1 protein function with a negative predictive value of 95%. In summary, the available evidence is currently insufficient to determine the role of this variant in disease. Therefore, it has been classified as a Variant of Uncertain Significance.